The following is an entry in ClinVar:

ClinVar aggregate classification (germline): Uncertain significance (1 of 4 stars; one submission).

Conditions:
Aortic aneurysm, familial thoracic 7 (AAT7). Also called: AORTIC DISSECTION, FAMILIAL, WITH OR WITHOUT AORTIC ANEURYSM. Identifiers: MedGen C3151077, MONDO:0013418, OMIM 613780.

Allele frequency attached by ClinVar (database versions not stated): TOPMed below 0.00001.

Submission:

Labcorp Genetics (formerly Invitae), Labcorp
Classification: Uncertain significance for Aortic aneurysm, familial thoracic 7. Last evaluated: 2024-10-28. Review status: criteria provided, single submitter. Criteria: Invitae Variant Classification Sherloc (09022015). Collection method: clinical testing. Allele origin: germline.
Comment: This sequence change replaces glycine, which is neutral and non-polar, with glutamic acid, which is acidic and polar, at codon 660 of the MYLK protein (p.Gly660Glu). This variant is not present in population databases (gnomAD no frequency). This variant has not been reported in the literature in individuals affected with MYLK-related conditions. ClinVar contains an entry for this variant (Variation ID: 940330). An algorithm developed to predict the effect of missense changes on protein structure and function outputs the following: PolyPhen-2: "Benign". The glutamic acid amino acid residue is found in multiple mammalian species, which suggests that this missense change does not adversely affect protein function. In summary, the available evidence is currently insufficient to determine the role of this variant in disease. Therefore, it has been classified as a Variant of Uncertain Significance.

NM_053025.4(MYLK):c.1979G>A (p.Gly660Glu)

Gene: MYLK (myosin light chain kinase; minus strand). Cytogenetic location: 3q21.1.
Variant type: single nucleotide variant.
Coding change: c.1979G>A on transcript NM_053025.4 (MANE Select); coding-DNA position 1979, G replaced by A.
Protein change: p.Gly660Glu; replaces glycine 660 with glutamic acid.
Molecular consequence: missense variant.
Genome position (GRCh38, 1-based): chr3:123,708,859, C>T on the plus strand (G>A on the coding strand, the complement: MYLK is on the minus strand). VCF-style: chr3-123708859-C-T. GRCh37 (hg19) VCF-style: chr3-123427706-C-T.
Other names: c.1451G>A, p.Gly484Glu (NM_001321309.2); c.1772G>A, p.Gly591Glu (NM_053026.4, NM_053028.4); c.1979G>A, p.Gly660Glu (NM_053027.4); short protein forms G660E, G484E, G591E.
Identifiers: ClinVar variation 940330 (VCV000940330.6), dbSNP rs2061567012, ClinGen allele CA354234540.
Genomic context (GRCh38, chr3:123,708,859, plus strand): 5'-AGGCTGTGCTGAGTTCCTCTCTGTTCAAAGTGGAAGTCCTCTGACTCTTGGATCTCATTC[C>T]CATTGTGCAGCCAGATGACTTCAGGGGGTGGATTCCCTGAACCAGGAGGAGGGGAAGGGG-3'
Protein context (NP_444253.3, residues 650-670): PPPEVIWLHN[Gly660Glu]NEIQESEDFH